The following is an entry in ClinVar:

ClinVar aggregate classification (germline): Uncertain significance (1 of 4 stars; one submission).

Conditions:
Hereditary cancer-predisposing syndrome. Also called: Neoplastic Syndromes, Hereditary; Hereditary Cancer Syndrome; Tumor predisposition; Hereditary neoplastic syndrome. Identifiers: Orphanet 140162, MedGen C0027672, MeSH D009386, MONDO:0015356.

Submission:

Ambry Genetics
Classification: Uncertain significance for Hereditary cancer-predisposing syndrome. Last evaluated: 2025-02-18. Review status: criteria provided, single submitter. Criteria: Ambry Variant Classification Scheme 2023. Collection method: clinical testing. Allele origin: germline.
Comment: The p.M58I variant (also known as c.174G>T), located in coding exon 2 of the SDHB gene, results from a G to T substitution at nucleotide position 174. The methionine at codon 58 is replaced by isoleucine, an amino acid with highly similar properties. This amino acid position is conserved. In addition, this alteration is predicted to be deleterious by in silico analysis. Based on the available evidence, the clinical significance of this variant remains unclear.

NM_003000.3(SDHB):c.174G>T (p.Met58Ile)

Gene: SDHB (succinate dehydrogenase complex iron sulfur subunit B; minus strand). Cytogenetic location: 1p36.13.
Variant type: single nucleotide variant.
Coding change: c.174G>T on transcript NM_003000.3 (MANE Select); coding-DNA position 174, G replaced by T.
Protein change: p.Met58Ile; replaces methionine 58 with isoleucine.
Molecular consequence: missense variant.
Genome position (GRCh38, 1-based): chr1:17,044,787, C>A on the plus strand (G>T on the coding strand, the complement: SDHB is on the minus strand). VCF-style: chr1-17044787-C-A. GRCh37 (hg19) VCF-style: chr1-17371282-C-A.
Other names: c.174G>T, p.Met58Ile (NM_001407361.1); short protein forms M58I.
Identifiers: ClinVar variation 3793590 (VCV003793590.1).
Genomic context (GRCh38, chr1:17,044,787, plus strand): 5'-TCCTTCAATAGCTGGCTTTCACAGAGATACTCACTTATTAAGGTCAACTTCATAAGTCTG[C>A]ATATGAGGTTTGTCTCCAGCCTTGTCTGGGTCCCATCGATAGATGGCAAATTTCTTGATA-3'
Protein context (NP_002991.2, residues 48-68): DPDKAGDKPH[Met58Ile]QTYEVDLNKC